The following is an entry in ClinVar:

NM_021975.4(RELA):c.19C>T (p.Leu7Phe)

Gene: RELA (RELA proto-oncogene, NF-kB subunit; minus strand). Cytogenetic location: 11q13.1.
Variant type: single nucleotide variant.
Coding change: c.19C>T on transcript NM_021975.4 (MANE Select); coding-DNA position 19, C replaced by T.
Protein change: p.Leu7Phe; replaces leucine 7 with phenylalanine.
Molecular consequence: missense variant.
Genome position (GRCh38, 1-based): chr11:65,662,194, G>A on the plus strand (C>T on the coding strand, the complement: RELA is on the minus strand). VCF-style: chr11-65662194-G-A. GRCh37 (hg19) VCF-style: chr11-65429665-G-A.
Other names: c.19C>T, p.Leu7Phe (NM_001145138.2, NM_001243984.2, NM_001243985.2 and 3 more transcripts); c.-271C>T (NM_001404661.1); c.-75C>T (NM_001404662.1, NM_001404663.1); short protein forms L7F.
Identifiers: ClinVar variation 2135677 (VCV002135677.4), dbSNP rs2496871323, ClinGen allele CA381395180.

ClinVar aggregate classification (germline): Uncertain significance (1 of 4 stars; one submission).

Allele frequency attached by ClinVar (database versions not stated): gnomAD exomes below 0.00001.

Submission:

Labcorp Genetics (formerly Invitae), Labcorp
Classification: Uncertain significance. Last evaluated: 2022-05-08. Review status: criteria provided, single submitter. Criteria: Invitae Variant Classification Sherloc (09022015). Collection method: clinical testing. Allele origin: germline.
Comment: In summary, the available evidence is currently insufficient to determine the role of this variant in disease. Therefore, it has been classified as a Variant of Uncertain Significance. Algorithms developed to predict the effect of missense changes on protein structure and function (SIFT, PolyPhen-2, Align-GVGD) all suggest that this variant is likely to be tolerated. This variant has not been reported in the literature in individuals affected with RELA-related conditions. This variant is not present in population databases (gnomAD no frequency). This sequence change replaces leucine, which is neutral and non-polar, with phenylalanine, which is neutral and non-polar, at codon 7 of the RELA protein (p.Leu7Phe).